The following is an entry in ClinVar:

ClinVar aggregate classification (germline): Uncertain significance (1 of 4 stars; one submission).

Submission:

GeneDx
Classification: Uncertain significance. Last evaluated: 2024-05-01. Review status: criteria provided, single submitter. Criteria: GeneDx Variant Classification Process June 2021. Collection method: clinical testing. Allele origin: germline. Affected: yes.
Comment: Not observed at significant frequency in large population cohorts (gnomAD); In silico analysis indicates that this missense variant does not alter protein structure/function; Has not been previously published as pathogenic or benign to our knowledge

NM_001007527.2(LMBRD2):c.151A>C (p.Ile51Leu)

Gene: LMBRD2 (LMBR1 domain containing 2; minus strand). Cytogenetic location: 5p13.2.
Variant type: single nucleotide variant.
Coding change: c.151A>C on transcript NM_001007527.2 (MANE Select); coding-DNA position 151, A replaced by C.
Protein change: p.Ile51Leu; replaces isoleucine 51 with leucine.
Molecular consequence: missense variant.
Genome position (GRCh38, 1-based): chr5:36,143,199, T>G on the plus strand (A>C on the coding strand, the complement: LMBRD2 is on the minus strand). VCF-style: chr5-36143199-T-G. GRCh37 (hg19) VCF-style: chr5-36143301-T-G.
Other names: short protein forms I51L.
Identifiers: ClinVar variation 3376018 (VCV003376018.1).